The following is an entry in ClinVar:

ClinVar aggregate classification (germline): Pathogenic (1 of 4 stars; one submission).

Submission:

GeneDx
Classification: Pathogenic. Last evaluated: 2025-07-15. Review status: criteria provided, single submitter. Criteria: GeneDx Variant Classification Process June 2021. Collection method: clinical testing. Allele origin: germline. Affected: yes.
Comment: Identified in patients with features of SALL4-related multiple anomalies in published literature (PMID: 16086360); Frameshift variant predicted to result in protein truncation or nonsense mediated decay in a gene for which loss of function is a known mechanism of disease; Not observed at significant frequency in large population cohorts (gnomAD); This variant is associated with the following publications: (PMID: 16086360)

NM_020436.5(SALL4):c.496dup (p.Gln166fs)

Gene: SALL4 (spalt like transcription factor 4; minus strand). Cytogenetic location: 20q13.2.
Variant type: Duplication.
Coding change: c.496dup on transcript NM_020436.5 (MANE Select); coding-DNA position 496, one base duplicated (C; older notation c.496dupC).
Protein change: p.Gln166fs; shifts the reading frame from glutamine 166.
Molecular consequence: frameshift variant.
Genome position (GRCh38, 1-based): chr20:51,791,987, G duplicated on the plus strand (C on the coding strand, the reverse complement: SALL4 is on the minus strand); the first of 6 consecutive G bases (chr20:51,791,987-51,791,992); duplicating any one gives the same sequence. VCF-style (leftmost placement, unchanged base first): chr20-51791986-T-TG. GRCh37 (hg19) VCF-style: chr20-50408525-T-TG.
Other names: c.496dup, p.Gln166ProfsTer15 (LRG_675t1); c.496dup, p.Gln166fs (NM_001318031.2); c.496dup (NM_020436.3); short protein forms Q166fs.
Identifiers: ClinVar variation 4686166 (VCV004686166.1), dbSNP rs797044509.